The following is an entry in ClinVar:

NM_004329.3(BMPR1A):c.921G>A (p.Leu307=)

Gene: BMPR1A (bone morphogenetic protein receptor type 1A; plus strand). Cytogenetic location: 10q23.2.
Variant type: single nucleotide variant.
Coding change: c.921G>A on transcript NM_004329.3 (MANE Select); coding-DNA position 921, G replaced by A.
Protein change: p.Leu307=; no amino-acid change (leucine 307 retained).
Molecular consequence: synonymous variant.
Genome position (GRCh38, 1-based): chr10:86,919,224, G>A. VCF-style: chr10-86919224-G-A. GRCh37 (hg19) VCF-style: chr10-88678981-G-A.
Identifiers: ClinVar variation 922536 (VCV000922536.3), dbSNP rs1843622524, ClinGen allele CA470372693.

ClinVar aggregate classification (germline): Benign/Likely benign. Review status: criteria provided, multiple submitters, no conflicts (2 of 4 stars). 2 submissions from 2 submitters: Benign (1); Likely benign (1). Last evaluated 2024-08-05.

Conditions:
Hereditary cancer-predisposing syndrome. Also called: Hereditary Cancer Syndrome; Hereditary neoplastic syndrome; Neoplastic Syndromes, Hereditary; Tumor predisposition. Identifiers: Orphanet 140162, MedGen C0027672, MeSH D009386, MONDO:0015356.
Juvenile polyposis syndrome (JPS). Identifiers: Orphanet 2929, MedGen C0345893, MONDO:0017380, OMIM 174900.

Submissions (2):

Myriad Genetics, Inc.
Classification: Benign for Juvenile polyposis syndrome. Last evaluated: 2024-08-05. Review status: criteria provided, single submitter. Criteria: Myriad Autosomal Dominant, Autosomal Recessive and X-Linked Classification Criteria (2023). Collection method: clinical testing. Allele origin: unknown.
Comment: This variant is considered benign. This variant is a silent/synonymous amino acid change and it is not expected to impact splicing.

Color Diagnostics, LLC DBA Color Health
Classification: Likely benign for Hereditary cancer-predisposing syndrome. Last evaluated: 2019-07-18. Review status: criteria provided, single submitter. Criteria: ACMG Guidelines, 2015. Collection method: clinical testing. Allele origin: germline.